The following is an entry in ClinVar:

ClinVar aggregate classification (germline): Uncertain significance (1 of 4 stars; one submission).

Allele frequency attached by ClinVar (database versions not stated): TOPMed below 0.00001; gnomAD 0.00001 and 0.00002; gnomAD exomes 0.00001.
gnomAD v4.1: 13 of 1,210,782 alleles (0.0011%); highest among the groups gnomAD compares: South Asian, 0.0018%; no homozygotes.

Submission:

GeneDx
Classification: Uncertain significance. Last evaluated: 2016-05-23. Review status: criteria provided, single submitter. Criteria: GeneDx Variant Classification (06012015). Collection method: clinical testing. Allele origin: germline. Affected: yes.
Comment: The G273S variant in the SRPX2 gene has not been reported previously as a pathogenic variant, nor as a benign variant, to our knowledge. The G273S variant was not observed in approximately 6,500 individuals of European and African American ancestry in an external variant database, indicating it is not a common benign variant in these populations. The G273S variant is a non-conservative amino acid substitution, which is likely to impact secondary protein structure as these residues differ in polarity, charge, size and/or other properties. This substitution occurs at a position that is conserved across species. In silico analysis predicts this variant is probably damaging to the protein structure/function. We interpret G273S as a variant of uncertain significance.

NM_014467.3(SRPX2):c.817G>A (p.Gly273Ser)

Gene: SRPX2 (sushi repeat containing protein X-linked 2; plus strand). Cytogenetic location: Xq22.1.
Variant type: single nucleotide variant.
Coding change: c.817G>A on transcript NM_014467.3 (MANE Select); coding-DNA position 817, G replaced by A.
Protein change: p.Gly273Ser; replaces glycine 273 with serine.
Molecular consequence: missense variant.
Genome position (GRCh38, 1-based): chrX:100,666,789, G>A. VCF-style: chrX-100666789-G-A. GRCh37 (hg19) VCF-style: chrX-99921786-G-A.
Other names: short protein forms G273S.
Identifiers: ClinVar variation 449135 (VCV000449135.2), dbSNP rs1199709114, ClinGen allele CA413910628.